The following is an entry in ClinVar:

NM_020779.4(WDR35):c.1525-2_1527dup

Gene: WDR35 (WD repeat domain 35; minus strand). Cytogenetic location: 2p24.1.
Variant type: Duplication.
Coding change: c.1525-2_1527dup on transcript NM_020779.4 (MANE Select); the canonical splice acceptor site of the intron before coding-DNA position 1525 through coding-DNA position 1527, 5 bases duplicated (AGGGT; older notation c.1525-2_1527dupAGGGT).
Molecular consequence: splice acceptor variant.
Genome position (GRCh38, 1-based): chr2:19,946,568-19,946,572, ACCCT duplicated on the plus strand (AGGGT on the coding strand, the reverse complement: WDR35 is on the minus strand); duplicating any 5 consecutive bases within chr2:19,946,568-19,946,573 gives the same sequence; the c. name uses the placement nearest the transcript's 3' end. VCF-style (leftmost placement, unchanged base first): chr2-19946567-G-GACCCT. GRCh37 (hg19) VCF-style: chr2-20146328-G-GACCCT.
Other names: c.1558-2_1560dup (NM_001006657.2).
Identifiers: ClinVar variation 4793548 (VCV004793548.1).
Genomic context (GRCh38, chr2:19,946,567, plus strand): 5'-AATATTTTTGAATCAAACCAACATTAGGTAGACTGTATCTCTGAATGGTGCCAGATTCAC[G>GACCCT]ACCCTATGGAAATTACTTTTGATTACTTAAGCATACGTGTATCATAATAATATTAAACTA-3'

ClinVar aggregate classification (germline): Pathogenic (1 of 4 stars; one submission).

Conditions:
Cranioectodermal dysplasia 2 (CED2). Identifiers: Orphanet 1515, MedGen C3150874, MONDO:0013323, OMIM 613610.
Short-rib thoracic dysplasia 7 with or without polydactyly (SRTD7). Also called: Short rib polydactyly syndrome 5; SHORT-RIB THORACIC DYSPLASIA 7 WITH POLYDACTYLY. Identifiers: Orphanet 498497, Orphanet 93271, MedGen C3279792, MONDO:0013569, OMIM 614091.

Submission:

Labcorp Genetics (formerly Invitae), Labcorp
Classification: Pathogenic for Cranioectodermal dysplasia 2; Short-rib thoracic dysplasia 7 with or without polydactyly. Last evaluated: 2025-10-01. Review status: criteria provided, single submitter. Criteria: Invitae Variant Classification Sherloc (09022015). Collection method: clinical testing. Allele origin: germline.
Comment: This sequence change creates a premature translational stop signal (p.Glu522Valfs*17) in the WDR35 gene. It is expected to result in an absent or disrupted protein product. Loss-of-function variants in WDR35 are known to be pathogenic (PMID: 22486404, 29068549). This variant is not present in population databases (gnomAD no frequency). This variant has not been reported in the literature in individuals affected with WDR35-related conditions. For these reasons, this variant has been classified as Pathogenic.

Literature cited by the submitters: PubMed 22486404; PubMed 29068549.